The following is an entry in ClinVar:

NM_000059.4(BRCA2):c.1741T>A (p.Ser581Thr)

Gene: BRCA2 (BRCA2 DNA repair associated; plus strand). Cytogenetic location: 13q13.1.
Variant type: single nucleotide variant.
Coding change: c.1741T>A on transcript NM_000059.4 (MANE Select); coding-DNA position 1741, T replaced by A.
Protein change: p.Ser581Thr; replaces serine 581 with threonine.
Molecular consequence: missense variant. On other transcripts: non-coding transcript variant (1), intron variant (1).
Genome position (GRCh38, 1-based): chr13:32,333,219, T>A. VCF-style: chr13-32333219-T-A. GRCh37 (hg19) VCF-style: chr13-32907356-T-A.
Other names: c.1741T>A, p.Ser581Thr (NM_001406719.1, NM_001406720.1, NM_001406721.1); c.424+2189T>A (NM_001406722.1); short protein forms S581T.
Identifiers: ClinVar variation 2586326 (VCV002586326.2), dbSNP rs55667299, ClinGen allele CA387765436.

ClinVar aggregate classification (germline): Uncertain significance (1 of 4 stars; one submission).

Conditions:
Hereditary cancer-predisposing syndrome. Also called: Hereditary neoplastic syndrome; Tumor predisposition; Hereditary Cancer Syndrome; Neoplastic Syndromes, Hereditary. Identifiers: Orphanet 140162, MedGen C0027672, MeSH D009386, MONDO:0015356.

Submission:

Ambry Genetics
Classification: Uncertain significance for Hereditary cancer-predisposing syndrome. Last evaluated: 2023-09-14. Review status: criteria provided, single submitter. Criteria: Ambry Variant Classification Scheme 2023. Collection method: clinical testing. Allele origin: germline.
Comment: The p.S581T variant (also known as c.1741T>A), located in coding exon 9 of the BRCA2 gene, results from a T to A substitution at nucleotide position 1741. The serine at codon 581 is replaced by threonine, an amino acid with similar properties. This amino acid position is conserved. In addition, this alteration is predicted to be tolerated by in silico analysis. Since supporting evidence is limited at this time, the clinical significance of this alteration remains unclear.